The following is an entry in ClinVar:

ClinVar aggregate classification (germline): Uncertain significance. Review status: criteria provided, multiple submitters, no conflicts (2 of 4 stars). 7 submissions from 7 submitters: Uncertain significance (7). Last evaluated 2025-12-24.

Conditions:
Cardiovascular phenotype. Identifiers: MedGen CN230736.
Catecholaminergic polymorphic ventricular tachycardia (CVPT). Also called: Catecholamine-induced polymorphic ventricular tachycardia. Identifiers: Orphanet 3286, MedGen C5574922, MONDO:0017990.
Cardiomyopathy (CMYO). Also called: Cardiomyopathies. Identifiers: Orphanet 167848, MedGen C0878544, MONDO:0004994, HP:0001638. Inheritance: Various modes of inheritance.
Catecholaminergic polymorphic ventricular tachycardia 1. Also called: VENTRICULAR TACHYCARDIA, CATECHOLAMINERGIC POLYMORPHIC, 1, WITH OR WITHOUT ATRIAL DYSFUNCTION AND/OR DILATED CARDIOMYOPATHY; RYR2-Related Catecholaminergic Polymorphic Ventricular Tachycardia; VENTRICULAR TACHYCARDIA, STRESS-INDUCED POLYMORPHIC 1. Identifiers: Orphanet 3286, MedGen C1631597, MONDO:0011484, OMIM 604772.

Allele frequency attached by ClinVar (database versions not stated): gnomAD exomes below 0.00001.
gnomAD v4.1: 1 of 1,612,480 alleles (0.000062%); highest among the groups gnomAD compares: Non-Finnish European, 0.000085%; no homozygotes.

Submissions (7):

Ambry Genetics
Classification: Uncertain significance for Cardiovascular phenotype. Last evaluated: 2025-12-24. Review status: criteria provided, single submitter. Criteria: Ambry Variant Classification Scheme 2023. Collection method: clinical testing. Allele origin: germline.
Comment: The p.I3763T variant (also known as c.11288T>C), located in coding exon 82 of the RYR2 gene, results from a T to C substitution at nucleotide position 11288. The isoleucine at codon 3763 is replaced by threonine, an amino acid with similar properties. This amino acid position is conserved. In addition, this alteration is predicted to be deleterious by in silico analysis. Based on the available evidence, the clinical significance of this variant remains unclear.

All of Us Research Program, National Institutes of Health
Classification: Uncertain significance for Catecholaminergic polymorphic ventricular tachycardia. Last evaluated: 2024-06-11. Review status: criteria provided, single submitter. Criteria: ACMG Guidelines, 2015. Collection method: clinical testing. Allele origin: germline. Inheritance: Autosomal dominant inheritance. Observed: 3 variant alleles, 3 heterozygotes.
Comment: This missense variant replaces isoleucine with threonine at codon 3763 of the RYR2 protein. Computational prediction suggests that this variant may have deleterious impact on protein structure and function (internally defined REVEL score threshold >= 0.7, PMID: 27666373). To our knowledge, functional studies have not been reported for this variant. This variant has not been reported in individuals affected with cardiovascular disorders in the literature. This variant has not been identified in the general population by the Genome Aggregation Database (gnomAD). The available evidence is insufficient to determine the role of this variant in disease conclusively. Therefore, this variant is classified as a Variant of Uncertain Significance.

This study involves interpretation of variants in research participants for the purpose of population health screening. Participant phenotype was not available at the time of variant classification. Additional details can be found in publication PMID: 35346344, PMCID: PMC8962531

Color Diagnostics, LLC DBA Color Health
Classification: Uncertain significance for Cardiomyopathy. Last evaluated: 2024-03-06. Review status: criteria provided, single submitter. Criteria: ACMG Guidelines, 2015. Collection method: clinical testing. Allele origin: germline.
Comment: This missense variant replaces isoleucine with threonine at codon 3763 of the RYR2 protein. Computational prediction suggests that this variant may have deleterious impact on protein structure and function (internally defined REVEL score threshold >= 0.7, PMID: 27666373). To our knowledge, functional studies have not been reported for this variant. This variant has not been reported in individuals affected with cardiovascular disorders in the literature. This variant has not been identified in the general population by the Genome Aggregation Database (gnomAD). The available evidence is insufficient to determine the role of this variant in disease conclusively. Therefore, this variant is classified as a Variant of Uncertain Significance.

Blueprint Genetics
Classification: Uncertain significance. Last evaluated: 2024-02-02. Review status: criteria provided, single submitter. Criteria: ACMG Guidelines, 2015. Collection method: clinical testing. Allele origin: germline.

Labcorp Genetics (formerly Invitae), Labcorp
Classification: Uncertain significance for Catecholaminergic polymorphic ventricular tachycardia 1. Last evaluated: 2023-12-01. Review status: criteria provided, single submitter. Criteria: Invitae Variant Classification Sherloc (09022015). Collection method: clinical testing. Allele origin: germline.
Comment: This sequence change replaces isoleucine, which is neutral and non-polar, with threonine, which is neutral and polar, at codon 3763 of the RYR2 protein (p.Ile3763Thr). This variant is not present in population databases (gnomAD no frequency). This variant has not been reported in the literature in individuals affected with RYR2-related conditions. ClinVar contains an entry for this variant (Variation ID: 847178). Advanced modeling of protein sequence and biophysical properties (such as structural, functional, and spatial information, amino acid conservation, physicochemical variation, residue mobility, and thermodynamic stability) performed at Invitae indicates that this missense variant is expected to disrupt RYR2 protein function with a positive predictive value of 95%. In summary, the available evidence is currently insufficient to determine the role of this variant in disease. Therefore, it has been classified as a Variant of Uncertain Significance.

GeneDx
Classification: Uncertain significance. Last evaluated: 2023-02-03. Review status: criteria provided, single submitter. Criteria: GeneDx Variant Classification Process June 2021. Collection method: clinical testing. Allele origin: germline. Affected: yes.
Comment: Has not been previously published as pathogenic or benign to our knowledge; Not observed in large population cohorts (gnomAD); In silico analysis supports that this missense variant has a deleterious effect on protein structure/function; Not located in one of the three hot-spot regions of the RYR2 gene, where the majority of pathogenic missense variants occur (Medeiros-Domingo et al., 2009); This variant is associated with the following publications: (PMID: 19926015)

AiLife Diagnostics
Classification: Uncertain significance. Last evaluated: 2021-12-10. Review status: criteria provided, single submitter. Criteria: ACMG Guidelines, 2015. Collection method: clinical testing. Allele origin: germline. Affected: yes. Observed: 1 variant allele.

NM_001035.3(RYR2):c.11288T>C (p.Ile3763Thr)

Gene: RYR2 (ryanodine receptor 2; plus strand). Cytogenetic location: 1q43.
Variant type: single nucleotide variant.
Coding change: c.11288T>C on transcript NM_001035.3 (MANE Select); coding-DNA position 11288, T replaced by C.
Protein change: p.Ile3763Thr; replaces isoleucine 3763 with threonine.
Molecular consequence: missense variant.
Genome position (GRCh38, 1-based): chr1:237,757,739, T>C. VCF-style: chr1-237757739-T-C. GRCh37 (hg19) VCF-style: chr1-237921039-T-C.
Other names: short protein forms I3763T.
Identifiers: ClinVar variation 847178 (VCV000847178.17), dbSNP rs1693078772, ClinGen allele CA345427448.
Genomic context (GRCh38, chr1:237,757,739, plus strand): 5'-CTTTTTTATATTTCTTAGGTGAAACTGGACCAATGGTAGCAGCTACTCTGAAACTTGGAA[T>C]TGCTATTTTAAATGGTGGGAACTCCACAGTACAGCAGGTAACAGCTTCCAGTCATTCATA-3'
Protein context (NP_001026.2, residues 3753-3773): PMVAATLKLG[Ile3763Thr]AILNGGNSTV